The following is an entry in ClinVar:

ClinVar aggregate classification (germline): Uncertain significance. Review status: criteria provided, multiple submitters, no conflicts (2 of 4 stars). 3 submissions from 3 submitters: Uncertain significance (3). Last evaluated 2026-04-01.

Conditions:
GFM1-related disorder. Also called: GFM1-related condition.
Inborn genetic diseases. Identifiers: MedGen C0950123, MeSH D030342.

Submissions (3):

PreventionGenetics, part of Exact Sciences
Classification: Uncertain significance for GFM1-related condition. Last evaluated: 2026-04-01. Review status: criteria provided, single submitter. Criteria: ACMG Guidelines, 2015. Collection method: clinical testing. Allele origin: germline.
Comment: The GFM1 c.1309T>C variant is predicted to result in the amino acid substitution p.Cys437Arg. To our knowledge, this variant has not been reported in the literature or in a large population database (gnomAD), indicating this variant is rare. At this time, the clinical significance of this variant is uncertain due to the absence of conclusive functional and genetic evidence.

Ambry Genetics
Classification: Uncertain significance for Inborn genetic diseases. Last evaluated: 2025-05-15. Review status: criteria provided, single submitter. Criteria: Ambry Variant Classification Scheme 2023. Collection method: clinical testing. Allele origin: germline.

Blueprint Genetics
Classification: Uncertain significance. Last evaluated: 2022-07-26. Review status: criteria provided, single submitter. Criteria: ACMG Guidelines, 2015. Collection method: clinical testing. Allele origin: germline.

NM_024996.7(GFM1):c.1252T>C (p.Cys418Arg)

Gene: GFM1 (G elongation factor mitochondrial 1; plus strand). Cytogenetic location: 3q25.32.
Variant type: single nucleotide variant.
Coding change: c.1252T>C on transcript NM_024996.7 (MANE Select); coding-DNA position 1252, T replaced by C.
Protein change: p.Cys418Arg; replaces cysteine 418 with arginine.
Molecular consequence: missense variant. On other transcripts: non-coding transcript variant (4).
Genome position (GRCh38, 1-based): chr3:158,660,904, T>C. VCF-style: chr3-158660904-T-C. GRCh37 (hg19) VCF-style: chr3-158378693-T-C.
Other names: c.1309T>C, p.Cys437Arg (NM_001308164.2); c.1252T>C, p.Cys418Arg (NM_001308166.2); c.1171T>C, p.Cys391Arg (NM_001374355.1); c.1135T>C, p.Cys379Arg (NM_001374356.1); c.1027T>C, p.Cys343Arg (NM_001374357.1); c.793T>C, p.Cys265Arg (NM_001374358.1); c.685T>C, p.Cys229Arg (NM_001374359.1, NM_001374360.1); c.568T>C, p.Cys190Arg (NM_001374361.1); and 1 more; short protein forms C190R, C265R, C418R, C229R, C391R, C437R, C343R, C379R.
Identifiers: ClinVar variation 4029466 (VCV004029466.3).
Genomic context (GRCh38, chr3:158,660,904, plus strand): 5'-AATATAATTTTGTGTTATTTGTTTTTTTAGGATGTTGAGGAAGTATATGCCGGAGACATC[T>C]GTGCATTGTTTGGCATTGACTGTGCTAGTGGAGACACATTCACAGACAAAGCCAACAGCG-3'
Protein context (NP_079272.4, residues 408-428): DVEEVYAGDI[Cys418Arg]ALFGIDCASG